The following is an entry in ClinVar:

ClinVar aggregate classification (germline): Uncertain significance (1 of 4 stars; one submission).

Allele frequency attached by ClinVar (database versions not stated): TOPMed below 0.00001; gnomAD exomes 0.00001.
gnomAD v4.1: 7 of 1,613,442 alleles (0.00043%); highest among the groups gnomAD compares: Middle Eastern, 0.017%; no homozygotes.

Submission:

Labcorp Genetics (formerly Invitae), Labcorp
Classification: Uncertain significance. Last evaluated: 2025-08-11. Review status: criteria provided, single submitter. Criteria: Invitae Variant Classification Sherloc (09022015). Collection method: clinical testing. Allele origin: germline.
Comment: This sequence change replaces glycine, which is neutral and non-polar, with arginine, which is basic and polar, at codon 1341 of the ERBIN protein (p.Gly1341Arg). This variant is present in population databases (no rsID available, gnomAD 0.003%). This missense change has been observed in individual(s) with a neurodevelopmental condition (PMID: 28191889). ClinVar contains an entry for this variant (Variation ID: 2977323). An algorithm developed to predict the effect of missense changes on protein structure and function (PolyPhen-2) suggests that this variant is likely to be disruptive. In summary, the available evidence is currently insufficient to determine the role of this variant in disease. Therefore, it has been classified as a Variant of Uncertain Significance.

Literature cited by the submitters: PubMed 28191889.

NM_001253697.2(ERBIN):c.4021G>A (p.Gly1341Arg)

Gene: ERBIN (erbb2 interacting protein; plus strand). Cytogenetic location: 5q12.3.
Variant type: single nucleotide variant.
Coding change: c.4021G>A on transcript NM_001253697.2 (MANE Select); coding-DNA position 4021, G replaced by A.
Protein change: p.Gly1341Arg; replaces glycine 1341 with arginine.
Molecular consequence: missense variant.
Genome position (GRCh38, 1-based): chr5:66,076,373, G>A. VCF-style: chr5-66076373-G-A. GRCh37 (hg19) VCF-style: chr5-65372201-G-A.
Other names: c.3691G>A, p.Gly1231Arg (NM_001006600.3); c.3898G>A, p.Gly1300Arg (NM_001253698.2, NM_018695.4); c.4042G>A, p.Gly1348Arg (NM_001253699.2); c.3886G>A, p.Gly1296Arg (NM_001253701.2); short protein forms G1231R, G1296R, G1300R, G1341R, G1348R.
Identifiers: ClinVar variation 2977323 (VCV002977323.3), dbSNP rs1183678433, ClinGen allele CA359871478.